The following is an entry in ClinVar:

ClinVar aggregate classification (germline): Uncertain significance (1 of 4 stars; one submission).

Conditions:
Desmin-related myofibrillar myopathy (MFM1). Also called: Myofibrillar myopathy 1; Desminopathy; Desmin related myopathy (former name); Desmin storage myopathy (former name); MYOFIBRILLAR MYOPATHY WITH ARRHYTHMOGENIC RIGHT VENTRICULAR CARDIOMYOPATHY; DESMIN-RELATED MYOPATHY WITH ARRHYTHMOGENIC RIGHT VENTRICULAR CARDIOMYOPATHY. Identifiers: Orphanet 363543, Orphanet 98909, MedGen C1832370, MONDO:0011076, OMIM 601419.

gnomAD v4.1: 1 of 1,575,218 alleles (0.000063%); highest among the groups gnomAD compares: East Asian, 0.0023%; no homozygotes.

Submission:

Labcorp Genetics (formerly Invitae), Labcorp
Classification: Uncertain significance for Desmin-related myofibrillar myopathy. Last evaluated: 2023-01-15. Review status: criteria provided, single submitter. Criteria: Invitae Variant Classification Sherloc (09022015). Collection method: clinical testing. Allele origin: germline.
Comment: In summary, the available evidence is currently insufficient to determine the role of this variant in disease. Therefore, it has been classified as a Variant of Uncertain Significance. Algorithms developed to predict the effect of missense changes on protein structure and function (SIFT, PolyPhen-2, Align-GVGD) all suggest that this variant is likely to be tolerated. ClinVar contains an entry for this variant (Variation ID: 1036050). This variant has not been reported in the literature in individuals affected with DES-related conditions. This variant is not present in population databases (gnomAD no frequency). This sequence change replaces leucine, which is neutral and non-polar, with glutamine, which is neutral and polar, at codon 74 of the DES protein (p.Leu74Gln).

NM_001927.4(DES):c.221T>A (p.Leu74Gln)

Gene: DES (desmin; plus strand). Cytogenetic location: 2q35.
Variant type: single nucleotide variant.
Coding change: c.221T>A on transcript NM_001927.4 (MANE Select); coding-DNA position 221, T replaced by A.
Protein change: p.Leu74Gln; replaces leucine 74 with glutamine.
Molecular consequence: missense variant.
Genome position (GRCh38, 1-based): chr2:219,418,683, T>A. VCF-style: chr2-219418683-T-A. GRCh37 (hg19) VCF-style: chr2-220283405-T-A.
Other names: c.221T>A, p.Leu74Gln (NM_001382708.1, NM_001382709.1, NM_001382710.1 and 3 more transcripts); short protein forms L74Q.
Identifiers: ClinVar variation 1036050 (VCV001036050.9), dbSNP rs1164195329, ClinGen allele CA350684075.
Genomic context (GRCh38, chr2:219,418,683, plus strand): 5'-ACCAGGTGTCGCGCACGTCGGGCGGGGCCGGGGGCCTGGGGTCGCTGCGGGCCAGCCGGC[T>A]GGGGACCACCCGCACGCCCTCCTCCTACGGCGCAGGCGAGCTGCTGGACTTCTCACTGGC-3'
Protein context (NP_001918.3, residues 64-84): GGLGSLRASR[Leu74Gln]GTTRTPSSYG